The following is an entry in ClinVar:

NM_182961.4(SYNE1):c.15641C>T (p.Thr5214Met)

Gene: SYNE1 (spectrin repeat containing nuclear envelope protein 1; minus strand). Cytogenetic location: 6q25.2.
Variant type: single nucleotide variant.
Coding change: c.15641C>T on transcript NM_182961.4 (MANE Select); coding-DNA position 15641, C replaced by T.
Protein change: p.Thr5214Met; replaces threonine 5214 with methionine.
Molecular consequence: missense variant.
Genome position (GRCh38, 1-based): chr6:152,325,100, G>A on the plus strand (C>T on the coding strand, the complement: SYNE1 is on the minus strand). VCF-style: chr6-152325100-G-A. GRCh37 (hg19) VCF-style: chr6-152646235-G-A.
Other names: c.15428C>T, p.Thr5143Met (NM_033071.5); short protein forms T5214M, T5143M.
Identifiers: ClinVar variation 2936310 (VCV002936310.7), dbSNP rs367744351, ClinGen allele CA4055733.

ClinVar aggregate classification (germline): Conflicting classifications of pathogenicity. Review status: criteria provided, conflicting classifications (1 of 4 stars). 3 submissions from 3 submitters: Uncertain significance (1); Likely benign (2). Last evaluated 2026-06-01.

Conditions:
Emery-Dreifuss muscular dystrophy 4, autosomal dominant (EDMD4). Also called: EMERY-DREIFUSS MUSCULAR DYSTROPHY 4 WITH VARIABLE FEATURES. Identifiers: Orphanet 261, MedGen C2751807, MONDO:0013071, OMIM 612998.
Autosomal recessive ataxia, Beauce type. Also called: ATAXIA, RECESSIVE, OF BEAUCE; Spinocerebellar ataxia, autosomal recessive 8; SYNE1-Related Autosomal Recessive Cerebellar Ataxia; SYNE1 Deficiency. Identifiers: Orphanet 88644, MedGen C1853116, MONDO:0012549, OMIM 610743.
Skeletal dysplasia. Also called: Primary bone dysplasia. Identifiers: Orphanet 364526, MedGen C0410528, MONDO:0018230, HP:0002652.

Allele frequency attached by ClinVar (database versions not stated): gnomAD 0.00001; TOPMed 0.00003; ExAC 0.00004; gnomAD exomes 0.00009.
gnomAD v4.1: 127 of 1,613,950 alleles (0.0079%); highest among the groups gnomAD compares: Non-Finnish European, 0.011%; no homozygotes.

Submissions (3):

CeGaT Center for Human Genetics Tuebingen
Classification: Likely benign. Last evaluated: 2026-06-01. Review status: criteria provided, single submitter. Criteria: CeGaT Center For Human Genetics Tuebingen Variant Classification Criteria Version 2. Collection method: clinical testing. Allele origin: germline. Affected: yes. Observed: 2 variant alleles.
Comment: SYNE1: BP4

Labcorp Genetics (formerly Invitae), Labcorp
Classification: Uncertain significance for Emery-Dreifuss muscular dystrophy 4, autosomal dominant; Autosomal recessive ataxia, Beauce type. Last evaluated: 2024-01-08. Review status: criteria provided, single submitter. Criteria: Invitae Variant Classification Sherloc (09022015). Collection method: clinical testing. Allele origin: germline.
Comment: This sequence change replaces threonine, which is neutral and polar, with methionine, which is neutral and non-polar, at codon 5143 of the SYNE1 protein (p.Thr5143Met). This variant is present in population databases (rs367744351, gnomAD 0.007%). This variant has not been reported in the literature in individuals affected with SYNE1-related conditions. Algorithms developed to predict the effect of missense changes on protein structure and function output the following: SIFT: "Not Available"; PolyPhen-2: "Benign"; Align-GVGD: "Not Available". The methionine amino acid residue is found in multiple mammalian species, which suggests that this missense change does not adversely affect protein function. In summary, the available evidence is currently insufficient to determine the role of this variant in disease. Therefore, it has been classified as a Variant of Uncertain Significance.

Cambridge Genomics Laboratory, East Genomic Laboratory Hub, NHS Genomic Medicine Service
Classification: Likely benign for Skeletal dysplasia. Last evaluated: 2020-02-05. Review status: criteria provided, single submitter. Criteria: ACGS Best Practice Guidelines for Variant Classification in Rare Disease 2020. Collection method: clinical testing. Allele origin: germline. Affected: yes. Observed: 1 variant allele.